The following is an entry in ClinVar:

ClinVar aggregate classification (germline): Uncertain significance (1 of 4 stars; one submission).

gnomAD v4.1: 4 of 1,613,844 alleles (0.00025%); highest among the groups gnomAD compares: East Asian, 0.0022%; no homozygotes.

Submission:

Labcorp Genetics (formerly Invitae), Labcorp
Classification: Uncertain significance. Last evaluated: 2025-04-10. Review status: criteria provided, single submitter. Criteria: Invitae Variant Classification Sherloc (09022015). Collection method: clinical testing. Allele origin: germline.
Comment: This sequence change replaces proline, which is neutral and non-polar, with leucine, which is neutral and non-polar, at codon 2707 of the TRRAP protein (p.Pro2707Leu). This variant is present in population databases (rs760090444, gnomAD 0.01%). This variant has not been reported in the literature in individuals affected with TRRAP-related conditions. An algorithm developed to predict the effect of missense changes on protein structure and function (PolyPhen-2) suggests that this variant is likely to be tolerated. In summary, the available evidence is currently insufficient to determine the role of this variant in disease. Therefore, it has been classified as a Variant of Uncertain Significance.

NM_001375524.1(TRRAP):c.8195C>T (p.Pro2732Leu)

Gene: TRRAP (transformation/transcription domain associated protein; plus strand). Cytogenetic location: 7q22.1.
Variant type: single nucleotide variant.
Coding change: c.8195C>T on transcript NM_001375524.1 (MANE Select); coding-DNA position 8195, C replaced by T.
Protein change: p.Pro2732Leu; replaces proline 2732 with leucine.
Molecular consequence: missense variant.
Genome position (GRCh38, 1-based): chr7:98,976,718, C>T. VCF-style: chr7-98976718-C-T. GRCh37 (hg19) VCF-style: chr7-98574341-C-T.
Other names: c.8174C>T, p.Pro2725Leu (NM_001244580.2); c.8120C>T, p.Pro2707Leu (NM_003496.4); short protein forms P2707L, P2725L, P2732L.
Identifiers: ClinVar variation 4707079 (VCV004707079.1).